The following is an entry in ClinVar:

ClinVar aggregate classification (germline): Uncertain significance (1 of 4 stars; one submission).

Conditions:
Charcot-Marie-Tooth disease type 2. Also called: Charcot-Marie-Tooth type 2. Identifiers: Orphanet 64746, MedGen C0270914, MONDO:0018993.

Submission:

Labcorp Genetics (formerly Invitae), Labcorp
Classification: Uncertain significance for Charcot-Marie-Tooth disease type 2. Last evaluated: 2022-08-16. Review status: criteria provided, single submitter. Criteria: Invitae Variant Classification Sherloc (09022015). Collection method: clinical testing. Allele origin: germline.
Comment: In summary, the available evidence is currently insufficient to determine the role of this variant in disease. Therefore, it has been classified as a Variant of Uncertain Significance. Algorithms developed to predict the effect of sequence changes on RNA splicing suggest that this variant may create or strengthen a splice site. This variant has not been reported in the literature in individuals affected with KIF1B-related conditions. This variant is not present in population databases (gnomAD no frequency). This sequence change affects codon 1660 of the KIF1B mRNA. It is a 'silent' change, meaning that it does not change the encoded amino acid sequence of the KIF1B protein.

NM_001365951.3(KIF1B):c.5118A>G (p.Gly1706=)

Gene: KIF1B (kinesin family member 1B; plus strand). Cytogenetic location: 1p36.22.
Variant type: single nucleotide variant.
Coding change: c.5118A>G on transcript NM_001365951.3 (MANE Select); coding-DNA position 5118, A replaced by G.
Protein change: p.Gly1706=; no amino-acid change (glycine 1706 retained).
Molecular consequence: synonymous variant.
Genome position (GRCh38, 1-based): chr1:10,374,875, A>G. VCF-style: chr1-10374875-A-G. GRCh37 (hg19) VCF-style: chr1-10434933-A-G.
Other names: c.5118A>G, p.Gly1706= (NM_001365952.1); c.4980A>G, p.Gly1660= (NM_015074.3).
Identifiers: ClinVar variation 2024237 (VCV002024237.4), dbSNP rs2521982253, ClinGen allele CA415888515.